The following is an entry in ClinVar:

ClinVar aggregate classification (germline): Uncertain significance (1 of 4 stars; one submission).

Submission:

Labcorp Genetics (formerly Invitae), Labcorp
Classification: Uncertain significance. Last evaluated: 2024-09-17. Review status: criteria provided, single submitter. Criteria: Invitae Variant Classification Sherloc (09022015). Collection method: clinical testing. Allele origin: germline.
Comment: This sequence change replaces glycine, which is neutral and non-polar, with serine, which is neutral and polar, at codon 223 of the DNM1L protein (p.Gly223Ser). This variant is not present in population databases (gnomAD no frequency). This variant has not been reported in the literature in individuals affected with DNM1L-related conditions. An algorithm developed to predict the effect of missense changes on protein structure and function (PolyPhen-2) suggests that this variant is likely to be disruptive. This variant disrupts the p.Gly223 amino acid residue in DNM1L. Other variant(s) that disrupt this residue have been determined to be pathogenic (PMID: 30801875). This suggests that this residue is clinically significant, and that variants that disrupt this residue are likely to be disease-causing. In summary, the available evidence is currently insufficient to determine the role of this variant in disease. Therefore, it has been classified as a Variant of Uncertain Significance.

Literature cited by the submitters: PubMed 30801875.

NM_012062.5(DNM1L):c.667G>A (p.Gly223Ser)

Gene: DNM1L (dynamin 1 like; plus strand). Cytogenetic location: 12p11.21.
Variant type: single nucleotide variant.
Coding change: c.667G>A on transcript NM_012062.5 (MANE Select); coding-DNA position 667, G replaced by A.
Protein change: p.Gly223Ser; replaces glycine 223 with serine.
Molecular consequence: missense variant. On other transcripts: intron variant (1).
Genome position (GRCh38, 1-based): chr12:32,718,690, G>A. VCF-style: chr12-32718690-G-A. GRCh37 (hg19) VCF-style: chr12-32871624-G-A.
Other names: c.667G>A, p.Gly223Ser (NM_001278463.2, NM_005690.5, NM_012063.4); c.706G>A, p.Gly236Ser (NM_001278464.2, NM_001278465.2, NM_001330380.2); c.132-1974G>A (NM_001278466.2); short protein forms G236S, G223S.
Identifiers: ClinVar variation 3717634 (VCV003717634.2).
Genomic context (GRCh38, chr12:32,718,690, plus strand): 5'-TTGCATTTACCAGGTCGCAGAACCCTAGCTGTAATCACTAAACTTGATCTCATGGATGCG[G>A]GTACTGATGCCATGGATGTATTGATGGGAAGGGTTATTCCAGTCAAACTTGGAATAATTG-3'
Protein context (NP_036192.2, residues 213-233): VITKLDLMDA[Gly223Ser]TDAMDVLMGR